The following is an entry in ClinVar:

NM_015346.4(ZFYVE26):c.443G>C (p.Arg148Pro)

Gene: ZFYVE26 (zinc finger FYVE-type containing 26; minus strand). Cytogenetic location: 14q24.1.
Variant type: single nucleotide variant.
Coding change: c.443G>C on transcript NM_015346.4 (MANE Select); coding-DNA position 443, G replaced by C.
Protein change: p.Arg148Pro; replaces arginine 148 with proline.
Molecular consequence: missense variant.
Genome position (GRCh38, 1-based): chr14:67,807,841, C>G on the plus strand (G>C on the coding strand, the complement: ZFYVE26 is on the minus strand). VCF-style: chr14-67807841-C-G. GRCh37 (hg19) VCF-style: chr14-68274558-C-G.
Other names: short protein forms R148P.
Identifiers: ClinVar variation 313927 (VCV000313927.19), dbSNP rs144919978, ClinGen allele CA7240783.

ClinVar aggregate classification (germline): Conflicting classifications of pathogenicity. Review status: criteria provided, conflicting classifications (1 of 4 stars). 6 submissions from 6 submitters: Uncertain significance (3); Benign (1); Likely benign (1). 1 of the submissions does not count toward it. Last evaluated 2026-01-19.

Conditions:
Inborn genetic diseases. Identifiers: MedGen C0950123, MeSH D030342.
ZFYVE26-related disorder. Also called: ZFYVE26-related condition.
Spastic paraplegia. Identifiers: MedGen C0037772, HP:0001258.
Hereditary spastic paraplegia 15 (SPG15). Also called: SPASTIC PARAPLEGIA 15, AUTOSOMAL RECESSIVE; KJELLIN SYNDROME; SPASTIC PARAPLEGIA AND RETINAL DEGENERATION. Identifiers: Orphanet 100996, MedGen C1849128, MONDO:0010044, OMIM 270700.

Allele frequency attached by ClinVar (database versions not stated): TOPMed 0.00045; 1000 Genomes Project 30x 0.00156; 1000 Genomes Project 0.00160.
gnomAD v4.1: 220 of 1,613,894 alleles (0.014%); highest among the groups gnomAD compares: East Asian, 0.34%; 1 homozygote.

Submissions (6):

Labcorp Genetics (formerly Invitae), Labcorp
Classification: Benign for Spastic paraplegia. Last evaluated: 2026-01-19. Review status: criteria provided, single submitter. Criteria: Invitae Variant Classification Sherloc (09022015). Collection method: clinical testing. Allele origin: germline.

Women's Health and Genetics/Laboratory Corporation of America, LabCorp
Classification: Uncertain significance. Last evaluated: 2023-11-03. Review status: criteria provided, single submitter. Criteria: LabCorp Variant Classification Summary - May 2015. Collection method: clinical testing. Allele origin: germline.
Comment: Variant summary: ZFYVE26 c.443G>C (p.Arg148Pro) results in a non-conservative amino acid change in the encoded protein sequence. Four of five in-silico tools predict a benign effect of the variant on protein function. The variant allele was found at a frequency of 0.00054 in 250802 control chromosomes, predominantly at a frequency of 0.0071 within the East Asian subpopulation in the gnomAD database. To our knowledge, no occurrence of c.443G>C in individuals affected with Hereditary Spastic Paraplegia and no experimental evidence demonstrating its impact on protein function have been reported. Three submitters have cited clinical-significance assessments for this variant to ClinVar after 2014. Two submitters classified the variant as uncertain significance and one classified it as benign. Based on the evidence outlined above, the variant was classified as uncertain significance.

Ambry Genetics
Classification: Likely benign for Inborn genetic diseases. Last evaluated: 2023-09-20. Review status: criteria provided, single submitter. Criteria: Ambry Variant Classification Scheme 2023. Collection method: clinical testing. Allele origin: germline.

Illumina Laboratory Services, Illumina
Classification: Uncertain significance for Hereditary spastic paraplegia 15. Last evaluated: 2018-01-13. Review status: criteria provided, single submitter. Criteria: ICSL Variant Classification Criteria 13 December 2019. Collection method: clinical testing. Allele origin: germline.

Athena Diagnostics
Classification: Uncertain significance. Last evaluated: 2016-10-14. Review status: criteria provided, single submitter. Criteria: Athena Diagnostics Criteria. Collection method: clinical testing. Allele origin: germline.

PreventionGenetics, part of Exact Sciences
Classification: Benign for ZFYVE26-related condition. Last evaluated: 2019-06-17. Review status: no assertion criteria provided. Collection method: clinical testing. Allele origin: germline. Not counted in ClinVar's aggregate classification.
Comment: This variant is classified as benign based on ACMG/AMP sequence variant interpretation guidelines (Richards et al. 2015 PMID: 25741868, with internal and published modifications).